The following is an entry in ClinVar:

ClinVar aggregate classification (germline): Uncertain significance (1 of 4 stars; one submission).

Submission:

Dasa
Classification: Uncertain significance. Last evaluated: 2026-04-06. Review status: criteria provided, single submitter. Criteria: DASA Assertion Criteria. Collection method: clinical testing. Allele origin: germline.
Comment: NM_001165963.4(SCN1A):c.3335C>T (p.Thr1112Ile) is a missense variant that results in the substitution of threonine with isoleucine. This variant is absent from population databases. Computational prediction algorithms are consistent with a deleterious effect. The currently available literature and clinical evidence are not sufficient to establish a definitive association between this variant and the reported condition. Therefore, this variant is classified as a variant of uncertain significance.

NM_001165963.4(SCN1A):c.3335C>T (p.Thr1112Ile)

Genes: SCN1A (sodium voltage-gated channel alpha subunit 1; minus strand), LOC102724058 (uncharacterized LOC102724058; plus strand). Cytogenetic location: 2q24.3.
Variant type: single nucleotide variant.
Coding change: c.3335C>T on transcript NM_001165963.4 (MANE Select); coding-DNA position 3335, C replaced by T.
Protein change: p.Thr1112Ile; replaces threonine 1112 with isoleucine.
Molecular consequence: missense variant. On other transcripts: non-coding transcript variant (2).
Genome position (GRCh38, 1-based): chr2:166,036,142, G>A on the plus strand (C>T on the coding strand, the complement: SCN1A is on the minus strand). VCF-style: chr2-166036142-G-A. GRCh37 (hg19) VCF-style: chr2-166892652-G-A.
Other names: c.3251C>T, p.Thr1084Ile (NM_001165964.3, NM_001353957.2, NM_001353958.2); c.3335C>T, p.Thr1112Ile (NM_001202435.3, NM_001353948.2); c.3302C>T, p.Thr1101Ile (NM_001353949.2, NM_001353950.2, NM_001353951.2 and 2 more transcripts); c.3299C>T, p.Thr1100Ile (NM_001353954.2, NM_001353955.2); c.3248C>T, p.Thr1083Ile (NM_001353960.2); c.893C>T, p.Thr298Ile (NM_001353961.2); short protein forms T1112I, T298I, T1083I, T1084I, T1100I, T1101I.
Identifiers: ClinVar variation 4885292 (VCV004885292.2).